The following is an entry in ClinVar:

ClinVar aggregate classification (germline): Uncertain significance. Review status: criteria provided, single submitter (1 of 4 stars). 2 submissions from 2 submitters: Uncertain significance (1). 1 of the submissions does not count toward it. Last evaluated 2022-08-23.

Conditions:
Vanishing white matter disease. Also called: Childhood ataxia with diffuse central nervous system hypomyelination; Leukoencephalopathy with vanishing white matter; CACH/VWM syndrome; Cree leukoencehalopathy; CACH syndrome. Identifiers: Orphanet 135, Orphanet 99853, MedGen C1858991, MONDO:0800448.

Allele frequency attached by ClinVar (database versions not stated): gnomAD exomes below 0.00001; ExAC 0.00002; gnomAD 0.00005 and 0.00006; TOPMed 0.00006; ESP Exome Variant Server 0.00015.
gnomAD v4.1: 13 of 1,614,002 alleles (0.00081%); highest among the groups gnomAD compares: African/African-American, 0.016%; no homozygotes.

Submissions (2):

Labcorp Genetics (formerly Invitae), Labcorp
Classification: Uncertain significance. Last evaluated: 2022-08-23. Review status: criteria provided, single submitter. Criteria: Invitae Variant Classification Sherloc (09022015). Collection method: clinical testing. Allele origin: germline.
Comment: This sequence change replaces glutamine, which is neutral and polar, with histidine, which is basic and polar, at codon 286 of the EIF2B5 protein (p.Gln286His). This variant is present in population databases (rs374608159, gnomAD 0.01%). This variant has not been reported in the literature in individuals affected with EIF2B5-related conditions. ClinVar contains an entry for this variant (Variation ID: 1018680). Advanced modeling of protein sequence and biophysical properties (such as structural, functional, and spatial information, amino acid conservation, physicochemical variation, residue mobility, and thermodynamic stability) performed at Invitae indicates that this missense variant is not expected to disrupt EIF2B5 protein function. In summary, the available evidence is currently insufficient to determine the role of this variant in disease. Therefore, it has been classified as a Variant of Uncertain Significance.

Natera, Inc.
Classification: Uncertain significance for Leukoencephalopathy with vanishing white matter. Last evaluated: 2020-08-27. Review status: no assertion criteria provided. Collection method: clinical testing. Allele origin: germline. Not counted in ClinVar's aggregate classification.

NM_003907.3(EIF2B5):c.858G>C (p.Gln286His)

Gene: EIF2B5 (eukaryotic translation initiation factor 2B subunit epsilon; plus strand). Cytogenetic location: 3q27.1.
Variant type: single nucleotide variant.
Coding change: c.858G>C on transcript NM_003907.3 (MANE Select); coding-DNA position 858, G replaced by C.
Protein change: p.Gln286His; replaces glutamine 286 with histidine.
Molecular consequence: missense variant.
Genome position (GRCh38, 1-based): chr3:184,140,432, G>C. VCF-style: chr3-184140432-G-C. GRCh37 (hg19) VCF-style: chr3-183858220-G-C.
Other names: short protein forms Q286H.
Identifiers: ClinVar variation 1018680 (VCV001018680.7), dbSNP rs374608159, ClinGen allele CA2726542.